The following is an entry in ClinVar:

ClinVar aggregate classification (germline): Uncertain significance (1 of 4 stars; one submission).

Conditions:
Cardiovascular phenotype. Identifiers: MedGen CN230736.

Submission:

Ambry Genetics
Classification: Uncertain significance for Cardiovascular phenotype. Last evaluated: 2024-03-20. Review status: criteria provided, single submitter. Criteria: Ambry Variant Classification Scheme 2023. Collection method: clinical testing. Allele origin: germline.
Comment: The p.S1252G variant (also known as c.3754A>G), located in coding exon 23 of the SOS1 gene, results from an A to G substitution at nucleotide position 3754. The serine at codon 1252 is replaced by glycine, an amino acid with similar properties. This amino acid position is well conserved in available vertebrate species. In addition, this alteration is predicted to be tolerated by in silico analysis. Based on the available evidence, the clinical significance of this alteration remains unclear.

NM_005633.4(SOS1):c.3754A>G (p.Ser1252Gly)

Gene: SOS1 (SOS Ras/Rac guanine nucleotide exchange factor 1; minus strand). Cytogenetic location: 2p22.1.
Variant type: single nucleotide variant.
Coding change: c.3754A>G on transcript NM_005633.4 (MANE Select); coding-DNA position 3754, A replaced by G.
Protein change: p.Ser1252Gly; replaces serine 1252 with glycine.
Molecular consequence: missense variant.
Genome position (GRCh38, 1-based): chr2:38,986,072, T>C on the plus strand (A>G on the coding strand, the complement: SOS1 is on the minus strand). VCF-style: chr2-38986072-T-C. GRCh37 (hg19) VCF-style: chr2-39213213-T-C.
Other names: c.3733A>G, p.Ser1245Gly (NM_001382394.1); c.3709A>G, p.Ser1237Gly (NM_001382395.1); short protein forms S1245G, S1237G, S1252G.
Identifiers: ClinVar variation 3321536 (VCV003321536.1).
Genomic context (GRCh38, chr2:38,986,072, plus strand): 5'-GCCTTCTTGTGCCGTGAGGAGAAGGTGTTTGAGGAGGAGGTGGTGTAAAGGGGGAAGGGC[T>C]GTTTGGGAAGAAGGCATTGCCATGGTCACTTTTTTTGCCCAAAGGGGGAGGTTGGAGATG-3'
Protein context (NP_005624.2, residues 1242-1262): SDHGNAFFPN[Ser1252Gly]PSPFTPPPPQ